The following is an entry in ClinVar:

NM_012213.3(MLYCD):c.1427C>T (p.Ala476Val)

Gene: MLYCD (malonyl-CoA decarboxylase; plus strand). Cytogenetic location: 16q23.3.
Variant type: single nucleotide variant.
Coding change: c.1427C>T on transcript NM_012213.3 (MANE Select); coding-DNA position 1427, C replaced by T.
Protein change: p.Ala476Val; replaces alanine 476 with valine.
Molecular consequence: missense variant.
Genome position (GRCh38, 1-based): chr16:83,915,434, C>T. VCF-style: chr16-83915434-C-T. GRCh37 (hg19) VCF-style: chr16-83949039-C-T.
Other names: short protein forms A476V.
Identifiers: ClinVar variation 845823 (VCV000845823.9), dbSNP rs1239750288, ClinGen allele CA396920699.

ClinVar aggregate classification (germline): Uncertain significance (1 of 4 stars; one submission).

Conditions:
Deficiency of malonyl-CoA decarboxylase. Also called: Malonic aciduria; MCD deficiency. Identifiers: Orphanet 943, MedGen C0342793, MONDO:0009556, OMIM 248360.

Allele frequency attached by ClinVar (database versions not stated): gnomAD exomes below 0.00001.
gnomAD v4.1: 3 of 1,613,648 alleles (0.00019%); highest among the groups gnomAD compares: East Asian, 0.0045%; no homozygotes.

Submission:

Labcorp Genetics (formerly Invitae), Labcorp
Classification: Uncertain significance for Deficiency of malonyl-CoA decarboxylase. Last evaluated: 2019-04-23. Review status: criteria provided, single submitter. Criteria: Invitae Variant Classification Sherloc (09022015). Collection method: clinical testing. Allele origin: germline.
Comment: This sequence change replaces alanine with valine at codon 476 of the MLYCD protein (p.Ala476Val). The alanine residue is highly conserved and there is a small physicochemical difference between alanine and valine. This variant is not present in population databases (ExAC no frequency). This variant has not been reported in the literature in individuals with MLYCD-related conditions. Algorithms developed to predict the effect of missense changes on protein structure and function (SIFT, PolyPhen-2, Align-GVGD) all suggest that this variant is likely to be tolerated, but these predictions have not been confirmed by published functional studies and their clinical significance is uncertain. In summary, the available evidence is currently insufficient to determine the role of this variant in disease. Therefore, it has been classified as a Variant of Uncertain Significance.